The following is an entry in ClinVar:

ClinVar aggregate classification (germline): Uncertain significance (1 of 4 stars; one submission).

Submission:

Ambry Genetics
Classification: Uncertain significance. Last evaluated: 2024-12-22. Review status: criteria provided, single submitter. Criteria: Ambry Variant Classification Scheme 2023. Collection method: clinical testing. Allele origin: germline.
Comment: The p.A1506V variant (also known as c.4517C>T), located in coding exon 19 of the WNK2 gene, results from a C to T substitution at nucleotide position 4517. The alanine at codon 1506 is replaced by valine, an amino acid with similar properties. This amino acid position is conserved. In addition, this alteration is predicted to be tolerated by in silico analysis. Based on the available evidence, the clinical significance of this variant remains unclear.

NM_006648.4(WNK2):c.4517C>T (p.Ala1506Val)

Gene: WNK2 (WNK lysine deficient protein kinase 2; plus strand). Cytogenetic location: 9q22.31.
Variant type: single nucleotide variant.
Coding change: c.4517C>T on transcript NM_006648.4 (MANE Select); coding-DNA position 4517, C replaced by T.
Protein change: p.Ala1506Val; replaces alanine 1506 with valine.
Molecular consequence: missense variant.
Genome position (GRCh38, 1-based): chr9:93,289,271, C>T. VCF-style: chr9-93289271-C-T. GRCh37 (hg19) VCF-style: chr9-96051553-C-T.
Other names: c.4628C>T, p.Ala1543Val (NM_001282394.3); short protein forms A1506V, A1543V.
Identifiers: ClinVar variation 3816607 (VCV003816607.1).
Genomic context (GRCh38, chr9:93,289,271, plus strand): 5'-GCGGGACCCCACAGCCCGCCTTGGGTCAACCTGCTCCCCTGCTTCCTGCCGCAGTGGGGG[C>T]CGTCAGCCTGGCCACCTCCCAGCTCCCAAGCCCACCCCTGGGGCCCACCGTCCCCCCACA-3'
Protein context (NP_006639.3, residues 1496-1516): PAPLLPAAVG[Ala1506Val]VSLATSQLPS